The following is an entry in ClinVar:

NM_001256715.2(DNAAF3):c.364dup (p.Leu122fs)

Genes: DNAAF3 (dynein axonemal assembly factor 3; minus strand), DNAAF3-AS1 (DNAAF3 antisense RNA 1; plus strand). Cytogenetic location: 19q13.42.
Variant type: Duplication.
Coding change: c.364dup on transcript NM_001256715.2 (MANE Select); coding-DNA position 364, one base duplicated (C; older notation c.364dupC).
Protein change: p.Leu122fs; shifts the reading frame from leucine 122.
Molecular consequence: frameshift variant.
Genome position (GRCh38, 1-based): chr19:55,162,249, G duplicated on the plus strand (C on the coding strand, the reverse complement: DNAAF3 is on the minus strand). VCF-style (leftmost placement, unchanged base first): chr19-55162248-A-AG. GRCh37 (hg19) VCF-style: chr19-55673616-A-AG.
Other names: p.Leu122Profs*98; c.568dup, p.Leu190fs (NM_001256714.1); c.202dup, p.Leu68fs (NM_001256716.2); c.505dup, p.Leu169fs (NM_178837.4); c.364dupC (NM_001256715.2); short protein forms L169fs, L190fs, L68fs, L122fs.
Identifiers: ClinVar variation 4795789 (VCV004795789.1).

ClinVar aggregate classification (germline): Likely pathogenic (1 of 4 stars; one submission).

Conditions:
Kartagener syndrome (CILD1). Also called: SIEWERT SYNDROME; CILIARY DYSKINESIA, PRIMARY, 1; CILIARY DYSKINESIA, PRIMARY, 1, WITH OR WITHOUT SITUS INVERSUS; IMMOTILE CILIA SYNDROME; POLYNESIAN BRONCHIECTASIS; Dextrocardia bronchiectasis and sinusitis. Identifiers: Orphanet 244, MedGen C4551906, MONDO:0009484, OMIM 244400.

Submission:

Coskunpinar Laboratory, Saglik Bilimleri University, Hamidiye School of Medicine
Classification: Likely pathogenic for Kartagener syndrome. Last evaluated: 2026-02-02. Review status: criteria provided, single submitter. Criteria: ACMG Guidelines, 2015. Collection method: research. Allele origin: germline. Affected: yes. Observed: 1 variant allele, 1 homozygote.
Comment: Novel frameshift variant in an established primary ciliary dyskinesia disease gene(OMIM:244400), predicted to result in loss of function. Classification is consistent with Qiagen Clinical Insight Interpret assessment which implements ACMG/AMP variant interpretation guidelines.